The following is an entry in ClinVar:

NM_001135146.2(SLC39A8):c.1026T>A (p.Cys342Ter)

Genes: SLC39A8 (solute carrier family 39 member 8; minus strand), LOC126807125 (MED14-independent group 3 enhancer GRCh37_chr4:103188587-103189786; plus strand). Cytogenetic location: 4q24.
Variant type: single nucleotide variant.
Coding change: c.1026T>A on transcript NM_001135146.2 (MANE Select); coding-DNA position 1026, T replaced by A.
Protein change: p.Cys342Ter; replaces cysteine 342 with a stop codon.
Molecular consequence: nonsense.
Genome position (GRCh38, 1-based): chr4:102,267,894, A>T on the plus strand (T>A on the coding strand, the complement: SLC39A8 is on the minus strand). VCF-style: chr4-102267894-A-T. GRCh37 (hg19) VCF-style: chr4-103189051-A-T.
Other names: c.1026T>A, p.Cys342Ter (NM_001135147.1, NM_022154.5); c.825T>A, p.Cys275Ter (NM_001135148.2); short protein forms C342*, C275*.
Identifiers: ClinVar variation 1030797 (VCV001030797.1), dbSNP rs1732173818, ClinGen allele CA357749848.

ClinVar aggregate classification (germline): Likely pathogenic (1 of 4 stars; one submission).

Conditions:
SLC39A8-CDG. Also called: SLC39A8 deficiency; CONGENITAL DISORDER OF GLYCOSYLATION, TYPE IIn; CDG IIn. Identifiers: Orphanet 468699, MedGen C4225234, MONDO:0014746, OMIM 616721.

Submission:

Baylor Genetics
Classification: Likely pathogenic for SLC39A8-CDG. Last evaluated: 2020-03-11. Review status: criteria provided, single submitter. Criteria: ACMG Guidelines, 2015. Collection method: clinical testing. Allele origin: unknown. Affected: yes.
Comment: This variant was determined to be likely pathogenic according to ACMG Guidelines, 2015 [PMID:25741868].